The following is an entry in ClinVar:

ClinVar aggregate classification (germline): Uncertain significance (1 of 4 stars; one submission).

Conditions:
POLD1-related polyposis and colorectal cancer syndrome (CRCS10). Also called: Colorectal cancer 10; COLORECTAL CANCER, SUSCEPTIBILITY TO, ON CHROMOSOME 19q; Colorectal cancer, susceptibility to, 10. Identifiers: Orphanet 220460, MedGen C2675481, MONDO:0012953, OMIM 612591.

Submission:

Labcorp Genetics (formerly Invitae), Labcorp
Classification: Uncertain significance for POLD1-related polyposis and colorectal cancer syndrome. Last evaluated: 2022-06-14. Review status: criteria provided, single submitter. Criteria: Invitae Variant Classification Sherloc (09022015). Collection method: clinical testing. Allele origin: germline.
Comment: In summary, the available evidence is currently insufficient to determine the role of this variant in disease. Therefore, it has been classified as a Variant of Uncertain Significance. Algorithms developed to predict the effect of missense changes on protein structure and function are either unavailable or do not agree on the potential impact of this missense change (SIFT: "Tolerated"; PolyPhen-2: "Possibly Damaging"; Align-GVGD: "Class C0"). This variant has not been reported in the literature in individuals affected with POLD1-related conditions. This variant is not present in population databases (gnomAD no frequency). This sequence change replaces glycine, which is neutral and non-polar, with aspartic acid, which is acidic and polar, at codon 235 of the POLD1 protein (p.Gly235Asp).

NM_002691.4(POLD1):c.704G>A (p.Gly235Asp)

Gene: POLD1 (DNA polymerase delta 1, catalytic subunit; plus strand). Cytogenetic location: 19q13.33.
Variant type: single nucleotide variant.
Coding change: c.704G>A on transcript NM_002691.4 (MANE Select); coding-DNA position 704, G replaced by A.
Protein change: p.Gly235Asp; replaces glycine 235 with aspartic acid.
Molecular consequence: missense variant. On other transcripts: non-coding transcript variant (1).
Genome position (GRCh38, 1-based): chr19:50,402,319, G>A. VCF-style: chr19-50402319-G-A. GRCh37 (hg19) VCF-style: chr19-50905576-G-A.
Other names: c.704G>A, p.Gly235Asp (NM_001256849.1, NM_001308632.1); short protein forms G235D.
Identifiers: ClinVar variation 1949451 (VCV001949451.5), dbSNP rs2513964153, ClinGen allele CA406974432.
Genomic context (GRCh38, chr19:50,402,319, plus strand): 5'-CGCTGCCGCGCCTCGTGGCCCCGGCCCGCCGTCTCCTGGAACAGGGCATCCGTGTGGCAG[G>A]CCTGGGCACGCCCAGCTTCGCGCCCTACGAGGCCAACGTCGACTTTGAGATCCGGTACGG-3'
Protein context (NP_002682.2, residues 225-245): RLLEQGIRVA[Gly235Asp]LGTPSFAPYE